The following is an entry in ClinVar:

NM_003073.5(SMARCB1):c.77A>G (p.Tyr26Cys)

Gene: SMARCB1 (SWI/SNF related BAF chromatin remodeling complex subunit B1; plus strand). Cytogenetic location: 22q11.23.
Variant type: single nucleotide variant.
Coding change: c.77A>G on transcript NM_003073.5 (MANE Select); coding-DNA position 77, A replaced by G.
Protein change: p.Tyr26Cys; replaces tyrosine 26 with cysteine.
Molecular consequence: missense variant.
Genome position (GRCh38, 1-based): chr22:23,787,246, A>G. VCF-style: chr22-23787246-A-G. GRCh37 (hg19) VCF-style: chr22-24129433-A-G.
Other names: c.77A>G, p.Tyr26Cys (NM_001007468.3, NM_001317946.2, NM_001362877.2); short protein forms Y26C.
Identifiers: ClinVar variation 5029947 (VCV005029947.1).

ClinVar aggregate classification (germline): Uncertain significance (1 of 4 stars; one submission).

Conditions:
Hereditary cancer-predisposing syndrome. Also called: Neoplastic Syndromes, Hereditary; Tumor predisposition; Hereditary neoplastic syndrome; Hereditary Cancer Syndrome. Identifiers: Orphanet 140162, MedGen C0027672, MeSH D009386, MONDO:0015356.

Submission:

Ambry Genetics
Classification: Uncertain significance for Hereditary cancer-predisposing syndrome. Last evaluated: 2026-09-07. Review status: criteria provided, single submitter. Criteria: Ambry Variant Classification Scheme 2023. Collection method: clinical testing. Allele origin: germline.
Comment: The p.Y26C variant (also known as c.77A>G), located in coding exon 1 of the SMARCB1 gene, results from an A to G substitution at nucleotide position 77. The tyrosine at codon 26 is replaced by cysteine, an amino acid with highly dissimilar properties. This amino acid position is conserved. In addition, this alteration is predicted to be deleterious by in silico analysis. Based on the available evidence, the clinical significance of this variant remains unclear.